The following is an entry in ClinVar:

NM_017612.5(ZCCHC8):c.1843G>C (p.Ala615Pro)

Gene: ZCCHC8 (zinc finger CCHC-type containing 8; minus strand). Cytogenetic location: 12q24.31.
Variant type: single nucleotide variant.
Coding change: c.1843G>C on transcript NM_017612.5 (MANE Select); coding-DNA position 1843, G replaced by C.
Protein change: p.Ala615Pro; replaces alanine 615 with proline.
Molecular consequence: missense variant.
Genome position (GRCh38, 1-based): chr12:122,473,778, C>G on the plus strand (G>C on the coding strand, the complement: ZCCHC8 is on the minus strand). VCF-style: chr12-122473778-C-G. GRCh37 (hg19) VCF-style: chr12-122958325-C-G.
Other names: c.1612G>C, p.Ala538Pro (NM_001350935.2); c.1546G>C, p.Ala516Pro (NM_001350936.2); c.1129G>C, p.Ala377Pro (NM_001350937.2, NM_001350938.2); short protein forms A377P, A516P, A538P, A615P.
Identifiers: ClinVar variation 3614590 (VCV003614590.2).

ClinVar aggregate classification (germline): Uncertain significance (1 of 4 stars; one submission).

gnomAD v4.1: 18 of 1,612,992 alleles (0.0011%); highest among the groups gnomAD compares: Non-Finnish European, 0.0013%; no homozygotes.

Submission:

Labcorp Genetics (formerly Invitae), Labcorp
Classification: Uncertain significance. Last evaluated: 2026-01-12. Review status: criteria provided, single submitter. Criteria: Invitae Variant Classification Sherloc (09022015). Collection method: clinical testing. Allele origin: germline.
Comment: This sequence change replaces alanine, which is neutral and non-polar, with proline, which is neutral and non-polar, at codon 615 of the ZCCHC8 protein (p.Ala615Pro). This variant is present in population databases (rs773278485, gnomAD 0.003%). This variant has not been reported in the literature in individuals affected with ZCCHC8-related conditions. ClinVar contains an entry for this variant (Variation ID: 3614590). Invitae Evidence Modeling of protein sequence and biophysical properties (such as structural, functional, and spatial information, amino acid conservation, physicochemical variation, residue mobility, and thermodynamic stability) indicates that this missense variant is not expected to disrupt ZCCHC8 protein function with a negative predictive value of 80%. In summary, the available evidence is currently insufficient to determine the role of this variant in disease. Therefore, it has been classified as a Variant of Uncertain Significance.